The following is an entry in ClinVar:

ClinVar aggregate classification (germline): Uncertain significance (1 of 4 stars; one submission).

Conditions:
Hereditary cancer-predisposing syndrome. Also called: Hereditary neoplastic syndrome; Hereditary Cancer Syndrome; Neoplastic Syndromes, Hereditary; Tumor predisposition. Identifiers: Orphanet 140162, MedGen C0027672, MeSH D009386, MONDO:0015356.

Submission:

Ambry Genetics
Classification: Uncertain significance for Hereditary cancer-predisposing syndrome. Last evaluated: 2023-04-18. Review status: criteria provided, single submitter. Criteria: Ambry Variant Classification Scheme 2023. Collection method: clinical testing. Allele origin: germline.
Comment: The p.Y1262F variant (also known as c.3785A>T), located in coding exon 15 of the APC gene, results from an A to T substitution at nucleotide position 3785. The tyrosine at codon 1262 is replaced by phenylalanine, an amino acid with highly similar properties. This amino acid position is conserved. In addition, in silico predictors for this gene do not accurately predict pathogenicity. Since supporting evidence is limited at this time, the clinical significance of this alteration remains unclear.

NM_000038.6(APC):c.3785A>T (p.Tyr1262Phe)

Gene: APC (APC regulator of Wnt signaling pathway; plus strand). Cytogenetic location: 5q22.2.
Variant type: single nucleotide variant.
Coding change: c.3785A>T on transcript NM_000038.6 (MANE Select); coding-DNA position 3785, A replaced by T.
Protein change: p.Tyr1262Phe; replaces tyrosine 1262 with phenylalanine.
Molecular consequence: missense variant. On other transcripts: non-coding transcript variant (2).
Genome position (GRCh38, 1-based): chr5:112,839,379, A>T. VCF-style: chr5-112839379-A-T. GRCh37 (hg19) VCF-style: chr5-112175076-A-T.
Other names: c.3785A>T, p.Tyr1262Phe (NM_001127510.3, NM_001354895.2, NM_001407450.1); c.3731A>T, p.Tyr1244Phe (NM_001127511.3); c.3839A>T, p.Tyr1280Phe (NM_001354896.2, NM_001407447.1, NM_001407448.1 and 1 more transcripts); c.3815A>T, p.Tyr1272Phe (NM_001354897.2); c.3710A>T, p.Tyr1237Phe (NM_001354898.2); c.3701A>T, p.Tyr1234Phe (NM_001354899.2); c.3662A>T, p.Tyr1221Phe (NM_001354900.2); c.3608A>T, p.Tyr1203Phe (NM_001354901.2, NM_001407453.1); and 11 more; short protein forms Y1102F, Y1136F, Y1234F, Y1262F, Y878F, Y979F, Y1161F, Y1171F.
Identifiers: ClinVar variation 2566977 (VCV002566977.2), dbSNP rs2149898951, ClinGen allele CA16029634.